The following is an entry in ClinVar:

NM_020117.11(LARS1):c.2880+173_2880+187del

Gene: LARS1 (leucyl-tRNA synthetase 1; minus strand). Cytogenetic location: 5q32.
Variant type: Deletion.
Coding change: c.2880+173_2880+187del on transcript NM_020117.11 (MANE Select); bases 173 to 187 of the intron after coding-DNA position 2880, 15 bases deleted (AGGGAAAAGCTGCTG).
Molecular consequence: intron variant.
Genome position (GRCh38, 1-based): chr5:146,128,485-146,128,499, CAGCAGCTTTTCCCT deleted on the plus strand (AGGGAAAAGCTGCTG on the coding strand, the reverse complement: LARS1 is on the minus strand); deleting any 15 consecutive bases within chr5:146,128,485-146,128,504 gives the same sequence; the c. name uses the placement nearest the transcript's 3' end. VCF-style (leftmost placement, unchanged base first): chr5-146128484-ACAGCAGCTTTTCCCT-A. GRCh37 (hg19) VCF-style: chr5-145508047-ACAGCAGCTTTTCCCT-A.
Other names: c.2718+173_2718+187del (NM_001317965.2); c.2799+173_2799+187del (NM_016460.4); c.2742+173_2742+187del (NM_001317964.2).
Identifiers: ClinVar variation 670035 (VCV000670035.1), dbSNP rs11467105, ClinGen allele CA128839024.

ClinVar aggregate classification (germline): Benign (1 of 4 stars; one submission).

Submission:

GeneDx
Classification: Benign. Last evaluated: 2018-06-14. Review status: criteria provided, single submitter. Criteria: GeneDx Variant Classification (06012015). Collection method: clinical testing. Allele origin: germline. Affected: yes.
Comment: This variant is considered likely benign or benign based on one or more of the following criteria: it is a conservative change, it occurs at a poorly conserved position in the protein, it is predicted to be benign by multiple in silico algorithms, and/or has population frequency not consistent with disease.